The following is an entry in ClinVar:

ClinVar aggregate classification (germline): Uncertain significance (1 of 4 stars; one submission).

Conditions:
Developmental and epileptic encephalopathy, 12 (DEE12). Identifiers: MedGen C3150988, MONDO:0013389, OMIM 613722.

Allele frequency attached by ClinVar (database versions not stated): gnomAD exomes below 0.00001.
gnomAD v4.1: 1 of 1,614,098 alleles (0.000062%); highest among the groups gnomAD compares: South Asian, 0.0011%; no homozygotes.

Submission:

Labcorp Genetics (formerly Invitae), Labcorp
Classification: Uncertain significance for Developmental and epileptic encephalopathy, 12. Last evaluated: 2020-04-05. Review status: criteria provided, single submitter. Criteria: Invitae Variant Classification Sherloc (09022015). Collection method: clinical testing. Allele origin: germline.
Comment: In summary, the available evidence is currently insufficient to determine the role of this variant in disease. Therefore, it has been classified as a Variant of Uncertain Significance. Algorithms developed to predict the effect of missense changes on protein structure and function (SIFT, PolyPhen-2, Align-GVGD) all suggest that this variant is likely to be tolerated, but these predictions have not been confirmed by published functional studies and their clinical significance is uncertain. This variant has not been reported in the literature in individuals with PLCB1-related conditions. This variant is not present in population databases (ExAC no frequency). This sequence change replaces leucine with methionine at codon 430 of the PLCB1 protein (p.Leu430Met). The leucine residue is moderately conserved and there is a small physicochemical difference between leucine and methionine.

NM_015192.4(PLCB1):c.1288C>A (p.Leu430Met)

Gene: PLCB1 (phospholipase C beta 1; plus strand). Cytogenetic location: 20p12.3.
Variant type: single nucleotide variant.
Coding change: c.1288C>A on transcript NM_015192.4 (MANE Select); coding-DNA position 1288, C replaced by A.
Protein change: p.Leu430Met; replaces leucine 430 with methionine.
Molecular consequence: missense variant.
Genome position (GRCh38, 1-based): chr20:8,716,301, C>A. VCF-style: chr20-8716301-C-A. GRCh37 (hg19) VCF-style: chr20-8696948-C-A.
Other names: c.1288C>A, p.Leu430Met (NM_182734.3); short protein forms L430M.
Identifiers: ClinVar variation 1008801 (VCV001008801.9), dbSNP rs1979306410, ClinGen allele CA408200142.